The following is an entry in ClinVar:

ClinVar aggregate classification (germline): Benign/Likely benign. Review status: criteria provided, multiple submitters, no conflicts (2 of 4 stars). 5 submissions from 3 submitters: Benign (4); Likely benign (1). Last evaluated 2026-05-14.

Conditions:
Spondyloepiphyseal dysplasia, Kimberley type. Identifiers: Orphanet 93283, MedGen C1842149, MONDO:0012019, OMIM 608361.
Spondyloepimetaphyseal dysplasia, aggrecan type. Also called: SEMD, AGGRECAN TYPE. Identifiers: Orphanet 171866, MedGen C2748544, MONDO:0013014, OMIM 612813.
Short stature and advanced bone age, with or without early-onset osteoarthritis and/or osteochondritis dissecans (SSOAOD). Identifiers: Orphanet 251262, MedGen C3665488, MONDO:0100462, OMIM 165800.

Allele frequency attached by ClinVar (database versions not stated): gnomAD exomes 0.01388 and 0.00339; 1000 Genomes Project 0.04433; gnomAD 0.00980 and 0.01017.
gnomAD v4.1: 6,563 of 924,812 alleles (0.71%); highest among the groups gnomAD compares: Middle Eastern, 1%; 136 homozygotes.

Submissions (5):

Women's Health and Genetics/Laboratory Corporation of America, LabCorp
Classification: Likely benign. Last evaluated: 2026-05-14. Review status: criteria provided, single submitter. Criteria: LabCorp Variant Classification Summary - May 2015. Collection method: clinical testing. Allele origin: germline.
Comment: Variant summary: ACAN c.4170C>G (p.Asp1390Glu) results in a conservative amino acid change in the encoded protein sequence. Algorithms developed to predict the effect of missense changes on protein structure and function are either unavailable or do not agree on the potential impact of this missense change. The variant allele was found at a frequency of 0.0034 in 168800 control chromosomes in the gnomAD database, including 12 homozygotes. The observed variant frequency exceeds the estimated maximal expected allele frequency for disease-causing variants in ACAN. To our knowledge, no occurrence of c.4170C>G in individuals affected with ACAN-related conditions and no experimental evidence demonstrating its impact on protein function have been reported. ClinVar contains an entry for this variant (Variation ID: 1691107). Based on the evidence outlined above, the variant was classified as likely benign.

Genome-Nilou Lab
Classification: Benign for Short stature and advanced bone age, with or without early-onset osteoarthritis and/or osteochondritis dissecans. Last evaluated: 2021-12-05. Review status: criteria provided, single submitter. Criteria: ACMG Guidelines, 2015. Collection method: clinical testing. Allele origin: germline. Affected: no.

Genome-Nilou Lab
Classification: Benign for Spondyloepimetaphyseal dysplasia, aggrecan type. Last evaluated: 2021-12-05. Review status: criteria provided, single submitter. Criteria: ACMG Guidelines, 2015. Collection method: clinical testing. Allele origin: germline. Affected: no.

Genome-Nilou Lab
Classification: Benign for Spondyloepiphyseal dysplasia, Kimberley type. Last evaluated: 2021-12-05. Review status: criteria provided, single submitter. Criteria: ACMG Guidelines, 2015. Collection method: clinical testing. Allele origin: germline. Affected: no.

Breakthrough Genomics
Classification: Benign. Review status: criteria provided, single submitter. Criteria: ACMG Guidelines, 2015. Collection method: not provided. Allele origin: germline. Inheritance: Autosomal recessive inheritance. Affected: yes.

NM_001369268.1(ACAN):c.4170C>G (p.Asp1390Glu)

Gene: ACAN (aggrecan; plus strand). Cytogenetic location: 15q26.1.
Variant type: single nucleotide variant.
Coding change: c.4170C>G on transcript NM_001369268.1 (MANE Select); coding-DNA position 4170, C replaced by G.
Protein change: p.Asp1390Glu; replaces aspartic acid 1390 with glutamic acid.
Molecular consequence: missense variant.
Genome position (GRCh38, 1-based): chr15:88,856,755, C>G. VCF-style: chr15-88856755-C-G. GRCh37 (hg19) VCF-style: chr15-89399986-C-G.
Other names: c.4170C>G, p.Asp1390Glu (NM_013227.4, NM_001135.4); short protein forms D1390E.
Identifiers: ClinVar variation 1691107 (VCV001691107.3), dbSNP rs201822759, ClinGen allele CA7719998.